The following is an entry in ClinVar:

NM_022081.6(HPS4):c.706+119T>C

Gene: HPS4 (HPS4 biogenesis of lysosomal organelles complex 3 subunit 2; minus strand). Cytogenetic location: 22q12.1.
Variant type: single nucleotide variant.
Coding change: c.706+119T>C on transcript NM_022081.6 (MANE Select); 119 bases into the intron after coding-DNA position 706, T replaced by C.
Molecular consequence: intron variant.
Genome position (GRCh38, 1-based): chr22:26,466,107, A>G on the plus strand (T>C on the coding strand, the complement: HPS4 is on the minus strand). VCF-style: chr22-26466107-A-G. GRCh37 (hg19) VCF-style: chr22-26862073-A-G.
Other names: c.706+119T>C (NM_001349905.1, NM_001349904.2, NM_001349902.1 and 5 more transcripts); c.707-3T>C (NM_001349901.1, NM_001349900.2); c.691+119T>C (NM_152841.2).
Identifiers: ClinVar variation 3043925 (VCV003043925.3), dbSNP rs535921652, ClinGen allele CA10163543.
Genomic context (GRCh38, chr22:26,466,107, plus strand): 5'-TTACCATTAGGGTTCTGGTGGGTAACTCGATTCTTGAAGCTCCATAACATCCATTTTCCT[A>G]TTATGAGCAGAGGAAATAAACATGCAGATGGCTTGGTTTCCTTCGCATAACTTGTACAGG-3'

ClinVar aggregate classification (germline): Uncertain significance. Review status: criteria provided, single submitter (1 of 4 stars). 2 submissions from 2 submitters: Uncertain significance (1). 1 of the submissions does not count toward it. Last evaluated 2024-02-01.

Conditions:
Hermansky-Pudlak syndrome 4 (HPS4). Identifiers: Orphanet 231500, Orphanet 79430, MedGen C3484357, MONDO:0013556, OMIM 614073.
HPS4-related disorder. Also called: HPS4-related condition.

Allele frequency attached by ClinVar (database versions not stated): 1000 Genomes Project 30x 0.00016; gnomAD exomes 0.00018; 1000 Genomes Project 0.00020; ExAC 0.00040; gnomAD 0.00076; TOPMed 0.00092.
gnomAD v4.1: 411 of 1,607,156 alleles (0.026%); highest among the groups gnomAD compares: Middle Eastern, 0.41%; 2 homozygotes.

Submissions (2):

Fulgent Genetics
Classification: Uncertain significance for Hermansky-Pudlak syndrome 4. Last evaluated: 2024-02-01. Review status: criteria provided, single submitter. Criteria: ACMG Guidelines, 2015. Collection method: clinical testing. Allele origin: germline.

PreventionGenetics, part of Exact Sciences
Classification: Likely benign for HPS4-related condition. Last evaluated: 2019-06-06. Review status: no assertion criteria provided. Collection method: clinical testing. Allele origin: germline. Not counted in ClinVar's aggregate classification.
Comment: This variant is classified as likely benign based on ACMG/AMP sequence variant interpretation guidelines (Richards et al. 2015 PMID: 25741868, with internal and published modifications).